The following is an entry in ClinVar:

NM_000059.4(BRCA2):c.8047G>A (p.Ala2683Thr)

Gene: BRCA2 (BRCA2 DNA repair associated; plus strand). Cytogenetic location: 13q13.1.
Variant type: single nucleotide variant.
Coding change: c.8047G>A on transcript NM_000059.4 (MANE Select); coding-DNA position 8047, G replaced by A.
Protein change: p.Ala2683Thr; replaces alanine 2683 with threonine.
Molecular consequence: missense variant.
Genome position (GRCh38, 1-based): chr13:32,363,249, G>A. VCF-style: chr13-32363249-G-A. GRCh37 (hg19) VCF-style: chr13-32937386-G-A.
Other names: short protein forms A2683T.
Identifiers: ClinVar variation 579982 (VCV000579982.11), dbSNP rs1184535660, ClinGen allele CA387749041.

ClinVar aggregate classification (germline): Uncertain significance (1 of 4 stars; one submission).

Conditions:
Hereditary breast ovarian cancer syndrome. Also called: Hereditary breast and ovarian cancer syndrome; Hereditary breast and ovarian cancer syndrome (HBOC); BRCA1- and BRCA2-Associated Hereditary Breast and Ovarian Cancer; Hereditary breast and/or ovarian cancer syndrome; Hereditary breast and ovarian cancer; Breast and ovarian cancer. Identifiers: Orphanet 145, MedGen C0677776, MeSH D061325, MONDO:0003582. Disease mechanism: loss of function.

Allele frequency attached by ClinVar (database versions not stated): gnomAD exomes below 0.00001; TOPMed below 0.00001; gnomAD 0.00001.

Submission:

Labcorp Genetics (formerly Invitae), Labcorp
Classification: Uncertain significance for Hereditary breast ovarian cancer syndrome. Last evaluated: 2025-05-26. Review status: criteria provided, single submitter. Criteria: Invitae Variant Classification Sherloc (09022015). Collection method: clinical testing. Allele origin: germline.
Comment: This sequence change replaces alanine, which is neutral and non-polar, with threonine, which is neutral and polar, at codon 2683 of the BRCA2 protein (p.Ala2683Thr). This variant is not present in population databases (gnomAD no frequency). This variant has not been reported in the literature in individuals affected with BRCA2-related conditions. ClinVar contains an entry for this variant (Variation ID: 579982). Invitae Evidence Modeling of protein sequence and biophysical properties (such as structural, functional, and spatial information, amino acid conservation, physicochemical variation, residue mobility, and thermodynamic stability) indicates that this missense variant is not expected to disrupt BRCA2 protein function with a negative predictive value of 95%. In summary, the available evidence is currently insufficient to determine the role of this variant in disease. Therefore, it has been classified as a Variant of Uncertain Significance.